The following is an entry in ClinVar:

NM_004656.4(BAP1):c.2034dup (p.Ile679fs)

Gene: BAP1 (BRCA1 associated deubiquitinase 1; minus strand). Cytogenetic location: 3p21.1.
Variant type: Duplication.
Coding change: c.2034dup on transcript NM_004656.4 (MANE Select); coding-DNA position 2034, one base duplicated (T; older notation c.2034dupT).
Protein change: p.Ile679fs; shifts the reading frame from isoleucine 679.
Molecular consequence: frameshift variant.
Genome position (GRCh38, 1-based): chr3:52,402,624, A duplicated on the plus strand (T on the coding strand, the reverse complement: BAP1 is on the minus strand); the first of 3 consecutive A bases (chr3:52,402,624-52,402,626); duplicating any one gives the same sequence. VCF-style (leftmost placement, unchanged base first): chr3-52402623-T-TA. GRCh37 (hg19) VCF-style: chr3-52436639-T-TA.
Other names: c.1980dup, p.Ile661fs (NM_001410772.1); short protein forms I679fs, I661fs.
Identifiers: ClinVar variation 2822608 (VCV002822608.3), dbSNP rs2471320326, ClinGen allele CA2739279930.

ClinVar aggregate classification (germline): Pathogenic (1 of 4 stars; one submission).

Conditions:
BAP1-related tumor predisposition syndrome (TPDS1). Also called: BAP1 tumor predisposition syndrome; Tumor susceptibility linked to germline BAP1 mutations; COMMON Syndrome; TUMOR PREDISPOSITION SYNDROME 1. Identifiers: Orphanet 289539, MedGen C3280492, MONDO:0013692, OMIM 614327.

Submission:

Labcorp Genetics (formerly Invitae), Labcorp
Classification: Pathogenic for BAP1-related tumor predisposition syndrome. Last evaluated: 2022-12-20. Review status: criteria provided, single submitter. Criteria: Invitae Variant Classification Sherloc (09022015). Collection method: clinical testing. Allele origin: germline.
Comment: This sequence change creates a premature translational stop signal (p.Ile679Tyrfs*38) in the BAP1 gene. While this is not anticipated to result in nonsense mediated decay, it is expected to disrupt the last 51 amino acid(s) of the BAP1 protein. This variant is not present in population databases (gnomAD no frequency). This variant has not been reported in the literature in individuals affected with BAP1-related conditions. This variant disrupts a region of the BAP1 protein in which other variant(s) (p.Gln684*) have been determined to be pathogenic (PMID: 18757409, 21874000, 24243779). This suggests that this is a clinically significant region of the protein, and that variants that disrupt it are likely to be disease-causing. For these reasons, this variant has been classified as Pathogenic.

Literature cited by the submitters: PubMed 18757409; PubMed 21874000; PubMed 24243779.